The following is an entry in ClinVar:

NM_015512.5(DNAH1):c.934GAG[1] (p.Glu313del)

Gene: DNAH1 (dynein axonemal heavy chain 1; plus strand). Cytogenetic location: 3p21.1.
Variant type: Microsatellite.
Coding change: c.934GAG[1] on transcript NM_015512.5 (MANE Select); one copy of the 3-base unit GAG starting at c.934; the reference has two copies in a row; one copy, 3 bases deleted.
Protein change: p.Glu313del; deletes glutamic acid 313.
Molecular consequence: inframe deletion.
Genome position (GRCh38, 1-based): chr3:52,331,213-52,331,215, GAG deleted; deleting any 3 consecutive bases within chr3:52,331,210-52,331,215 gives the same sequence; the position shown is the placement nearest the transcript's 3' end. VCF-style (leftmost placement, unchanged base first): chr3-52331209-CGAG-C. GRCh37 (hg19) VCF-style: chr3-52365225-CGAG-C.
Other names: short protein forms E313del.
Identifiers: ClinVar variation 3759003 (VCV003759003.1).

ClinVar aggregate classification (germline): Uncertain significance (1 of 4 stars; one submission).

Conditions:
Spermatogenic failure 18. Identifiers: MedGen C4539783, MONDO:0054615, OMIM 617576.
Ciliary dyskinesia, primary, 37 (CILD37). Also called: CILIARY DYSKINESIA, PRIMARY, 37, WITH OR WITHOUT SITUS INVERSUS. Identifiers: MedGen C4539798, MONDO:0033204, OMIM 617577.

Submission:

Labcorp Genetics (formerly Invitae), Labcorp
Classification: Uncertain significance for Ciliary dyskinesia, primary, 37; Spermatogenic failure 18. Last evaluated: 2024-08-01. Review status: criteria provided, single submitter. Criteria: Invitae Variant Classification Sherloc (09022015). Collection method: clinical testing. Allele origin: germline.
Comment: This variant, c.937_939del, results in the deletion of 1 amino acid(s) of the DNAH1 protein (p.Glu313del), but otherwise preserves the integrity of the reading frame. This variant is present in population databases (rs755640904, gnomAD 0.009%). This variant has not been reported in the literature in individuals affected with DNAH1-related conditions. Experimental studies and prediction algorithms are not available or were not evaluated, and the functional significance of this variant is currently unknown. In summary, the available evidence is currently insufficient to determine the role of this variant in disease. Therefore, it has been classified as a Variant of Uncertain Significance.